The following is an entry in ClinVar:

ClinVar aggregate classification (germline): Uncertain significance (1 of 4 stars; one submission).

Conditions:
Metachromatic leukodystrophy (MLD). Also called: Arylsulfatase A Deficiency; Cerebral sclerosis diffuse metachromatic form; ARSA DEFICIENCY; CEREBROSIDE SULFATASE DEFICIENCY; SULFATIDE LIPIDOSIS; METACHROMATIC LEUKOENCEPHALOPATHY. Identifiers: Orphanet 512, MedGen C0023522, MONDO:0018868, OMIM 250100.

Submission:

Labcorp Genetics (formerly Invitae), Labcorp
Classification: Uncertain significance for Metachromatic leukodystrophy. Last evaluated: 2022-06-28. Review status: criteria provided, single submitter. Criteria: Invitae Variant Classification Sherloc (09022015). Collection method: clinical testing. Allele origin: germline.
Comment: In summary, the available evidence is currently insufficient to determine the role of this variant in disease. Therefore, it has been classified as a Variant of Uncertain Significance. Algorithms developed to predict the effect of missense changes on protein structure and function (SIFT, PolyPhen-2, Align-GVGD) all suggest that this variant is likely to be tolerated. This variant has not been reported in the literature in individuals affected with ARSA-related conditions. This variant is not present in population databases (gnomAD no frequency). This sequence change replaces alanine, which is neutral and non-polar, with threonine, which is neutral and polar, at codon 191 of the ARSA protein (p.Ala191Thr).

NM_000487.6(ARSA):c.571G>A (p.Ala191Thr)

Gene: ARSA (arylsulfatase A; minus strand). Cytogenetic location: 22q13.33.
Variant type: single nucleotide variant.
Coding change: c.571G>A on transcript NM_000487.6 (MANE Select); coding-DNA position 571, G replaced by A.
Protein change: p.Ala191Thr; replaces alanine 191 with threonine.
Molecular consequence: missense variant.
Genome position (GRCh38, 1-based): chr22:50,626,947, C>T on the plus strand (G>A on the coding strand, the complement: ARSA is on the minus strand). VCF-style: chr22-50626947-C-T. GRCh37 (hg19) VCF-style: chr22-51065375-C-T.
Other names: c.571G>A, p.Ala191Thr (NM_001085425.3, NM_001085426.3, NM_001085427.3); c.313G>A, p.Ala105Thr (NM_001085428.3, NM_001362782.2); short protein forms A191T, A105T.
Identifiers: ClinVar variation 1489714 (VCV001489714.6), dbSNP rs2146723680, ClinGen allele CA412177489.